The following is an entry in ClinVar:

ClinVar aggregate classification (germline): Likely benign. Review status: criteria provided, multiple submitters, no conflicts (2 of 4 stars). 2 submissions from 2 submitters: Likely benign (2). Last evaluated 2024-10-22.

gnomAD v4.1: 33 of 1,614,036 alleles (0.002%); highest among the groups gnomAD compares: Non-Finnish European, 0.0026%; no homozygotes.

Submissions (2):

Labcorp Genetics (formerly Invitae), Labcorp
Classification: Likely benign. Last evaluated: 2024-10-22. Review status: criteria provided, single submitter. Criteria: Invitae Variant Classification Sherloc (09022015). Collection method: clinical testing. Allele origin: germline.

CeGaT Center for Human Genetics Tuebingen
Classification: Likely benign. Last evaluated: 2024-08-01. Review status: criteria provided, single submitter. Criteria: CeGaT Center For Human Genetics Tuebingen Variant Classification Criteria Version 2. Collection method: clinical testing. Allele origin: germline. Affected: yes. Observed: 1 variant allele.
Comment: CIT: BP4, BP7

NM_001206999.2(CIT):c.387G>A (p.Lys129=)

Gene: CIT (citron rho-interacting serine/threonine kinase; minus strand). Cytogenetic location: 12q24.23.
Variant type: single nucleotide variant.
Coding change: c.387G>A on transcript NM_001206999.2 (MANE Select); coding-DNA position 387, G replaced by A.
Protein change: p.Lys129=; no amino-acid change (lysine 129 retained).
Molecular consequence: synonymous variant.
Genome position (GRCh38, 1-based): chr12:119,857,550, C>T on the plus strand (G>A on the coding strand, the complement: CIT is on the minus strand). VCF-style: chr12-119857550-C-T. GRCh37 (hg19) VCF-style: chr12-120295354-C-T.
Other names: c.387G>A, p.Lys129= (NM_007174.3).
Identifiers: ClinVar variation 3341630 (VCV003341630.18).
Genomic context (GRCh38, chr12:119,857,550, plus strand): 5'-AAGTGGAAAAGCATGATGTTAAAATCCTCCTACCTGCTCCTGGGCCAATAAAGCCTTCTT[C>T]TTCATCACTTTCATAGCATAGATGTCCCCGGTTGCTTTCTCTCTTACCACCTGCACTTCA-3'
Protein context (NP_001193928.1, residues 119-139): TGDIYAMKVM[Lys129=]KKALLAQEQV